The following is an entry in ClinVar:

NM_000503.6(EYA1):c.1141-12A>G

Gene: EYA1 (EYA transcriptional coactivator and phosphatase 1; minus strand). Cytogenetic location: 8q13.3.
Variant type: single nucleotide variant.
Coding change: c.1141-12A>G on transcript NM_000503.6 (MANE Select); 12 bases into the intron before coding-DNA position 1141, A replaced by G.
Molecular consequence: intron variant.
Genome position (GRCh38, 1-based): chr8:71,217,035, T>C on the plus strand (A>G on the coding strand, the complement: EYA1 is on the minus strand). VCF-style: chr8-71217035-T-C. GRCh37 (hg19) VCF-style: chr8-72129270-T-C.
Other names: c.1120-12A>G (NM_001370336.1); c.1228-12A>G (NM_001370333.1); c.1141-12A>G (NM_001370335.1, NM_001370334.1, NM_172058.4); c.1123-12A>G (NM_172059.5, NM_001288574.2); c.1042-12A>G (NM_001411797.1, NM_172060.4); c.775-12A>G (NM_001288575.2).
Identifiers: ClinVar variation 3381935 (VCV003381935.3).

ClinVar aggregate classification (germline): Uncertain significance. Review status: criteria provided, multiple submitters, no conflicts (2 of 4 stars). 2 submissions from 2 submitters: Uncertain significance (2). Last evaluated 2022-09-23.

Conditions:
Branchiootic syndrome 1 (BOS1). Also called: BO SYNDROME 1; BRANCHIOOTIC DYSPLASIA. Identifiers: MedGen C1865143, MONDO:0011258, OMIM 602588.
Branchiootorenal syndrome 1. Also called: Branchio-Oto-Renal Syndrome 1. Identifiers: Orphanet 107, MedGen C4551702, MONDO:0007236, OMIM 113650.

Submissions (2):

Blueprint Genetics
Classification: Uncertain significance. Last evaluated: 2022-09-23. Review status: criteria provided, single submitter. Criteria: ACMG Guidelines, 2015. Collection method: clinical testing. Allele origin: germline.

Juno Genomics, Hangzhou Juno Genomics, Inc
Classification: Uncertain significance for Branchiootic syndrome 1; Branchiootorenal syndrome 1. Review status: criteria provided, single submitter. Criteria: ACMG Guidelines, 2015. Collection method: clinical testing. Allele origin: germline. Affected: yes.
Comment: Absent from controls (or at extremely low frequency if recessive) in Genome Aggregation Database, Exome Sequencing Project, 1000 Genomes Project, or Exome Aggregation Consortium.;Multiple lines of computational evidence support a deleterious effect on the gene or gene product (conservation, evolutionary, splicing impact, etc).